The following is an entry in ClinVar:

ClinVar aggregate classification (germline): Uncertain significance (1 of 4 stars; one submission).

Submission:

Labcorp Genetics (formerly Invitae), Labcorp
Classification: Uncertain significance. Last evaluated: 2025-07-07. Review status: criteria provided, single submitter. Criteria: Invitae Variant Classification Sherloc (09022015). Collection method: clinical testing. Allele origin: germline.
Comment: This sequence change replaces methionine, which is neutral and non-polar, with isoleucine, which is neutral and non-polar, at codon 576 of the ATR protein (p.Met576Ile). This variant is not present in population databases (gnomAD no frequency). This variant has not been reported in the literature in individuals affected with ATR-related conditions. An algorithm developed to predict the effect of missense changes on protein structure and function outputs the following: PolyPhen-2: "Benign". The isoleucine amino acid residue is found in multiple mammalian species, which suggests that this missense change does not adversely affect protein function. In summary, the available evidence is currently insufficient to determine the role of this variant in disease. Therefore, it has been classified as a Variant of Uncertain Significance.

NM_001184.4(ATR):c.1728G>A (p.Met576Ile)

Gene: ATR (ATR checkpoint kinase; minus strand). Cytogenetic location: 3q23.
Variant type: single nucleotide variant.
Coding change: c.1728G>A on transcript NM_001184.4 (MANE Select); coding-DNA position 1728, G replaced by A.
Protein change: p.Met576Ile; replaces methionine 576 with isoleucine.
Molecular consequence: missense variant.
Genome position (GRCh38, 1-based): chr3:142,559,255, C>T on the plus strand (G>A on the coding strand, the complement: ATR is on the minus strand). VCF-style: chr3-142559255-C-T. GRCh37 (hg19) VCF-style: chr3-142278097-C-T.
Other names: c.1536G>A, p.Met512Ile (NM_001354579.2); short protein forms M512I, M576I.
Identifiers: ClinVar variation 4804765 (VCV004804765.1).